The following is an entry in ClinVar:

ClinVar aggregate classification (germline): Pathogenic (1 of 4 stars; one submission).

Conditions:
Neurofibromatosis, type 1 (NF1). Also called: Neurofibromatosis, type I; VON RECKLINGHAUSEN DISEASE; NEUROFIBROMATOSIS, TYPE I, SOMATIC; Peripheral type neurofibromatosis. Identifiers: Orphanet 636, MedGen C0027831, MONDO:0018975, OMIM 162200. Disease mechanism: loss of function.

Submission:

Juno Genomics, Hangzhou Juno Genomics, Inc
Classification: Pathogenic for Neurofibromatosis, type 1. Review status: criteria provided, single submitter. Criteria: ACMG Guidelines, 2015. Collection method: clinical testing. Allele origin: germline. Affected: yes.
Comment: Absent from controls (or at extremely low frequency if recessive) in Genome Aggregation Database, Exome Sequencing Project, 1000 Genomes Project, or Exome Aggregation Consortium.;Null variant in a gene where loss of function (LOF) is a known mechanism of disease.;Patient's phenotype or family history is highly specific for a disease with a single genetic etiology.

NM_001042492.3(NF1):c.7744_7745insCTT (p.Gln2582delinsProTer)

Gene: NF1 (neurofibromin 1; plus strand). Cytogenetic location: 17q11.2.
Variant type: Insertion.
Coding change: c.7744_7745insCTT on transcript NM_001042492.3 (MANE Select); coding-DNA positions 7744 to 7745, CTT inserted.
Protein change: p.Gln2582delinsProTer.
Molecular consequence: nonsense. On other transcripts: inframe indel (1).
Genome position: GRCh38 VCF-style: chr17-31356965-C-CCTT. GRCh37 (hg19) VCF-style: chr17-29683983-C-CCTT.
Other names: c.7681_7682insCTT, p.Gln2561_Val2818delinsPro (NM_000267.4).
Identifiers: ClinVar variation 3383181 (VCV003383181.2).